The following is an entry in ClinVar:

ClinVar aggregate classification (germline): Uncertain significance. Review status: criteria provided, multiple submitters, no conflicts (2 of 4 stars). 2 submissions from 2 submitters: Uncertain significance (2). Last evaluated 2023-11-01.

Conditions:
Catecholaminergic polymorphic ventricular tachycardia 1. Also called: VENTRICULAR TACHYCARDIA, STRESS-INDUCED POLYMORPHIC 1; RYR2-Related Catecholaminergic Polymorphic Ventricular Tachycardia; VENTRICULAR TACHYCARDIA, CATECHOLAMINERGIC POLYMORPHIC, 1, WITH OR WITHOUT ATRIAL DYSFUNCTION AND/OR DILATED CARDIOMYOPATHY. Identifiers: Orphanet 3286, MedGen C1631597, MONDO:0011484, OMIM 604772.
Cardiovascular phenotype. Identifiers: MedGen CN230736.

Allele frequency attached by ClinVar (database versions not stated): gnomAD exomes below 0.00001; TOPMed below 0.00001; gnomAD 0.00001.
gnomAD v4.1: 6 of 1,611,400 alleles (0.00037%); highest among the groups gnomAD compares: Non-Finnish European, 0.00051%; no homozygotes.

Submissions (2):

Ambry Genetics
Classification: Uncertain significance for Cardiovascular phenotype. Last evaluated: 2023-11-01. Review status: criteria provided, single submitter. Criteria: Ambry Variant Classification Scheme 2023. Collection method: clinical testing. Allele origin: germline.
Comment: The p.Q727R variant (also known as c.2180A>G), located in coding exon 41 of the TRDN gene, results from an A to G substitution at nucleotide position 2180. The glutamine at codon 727 is replaced by arginine, an amino acid with highly similar properties. This amino acid position is conserved. In addition, this alteration is predicted to be tolerated by in silico analysis. Since supporting evidence is limited at this time, the clinical significance of this alteration remains unclear.

Labcorp Genetics (formerly Invitae), Labcorp
Classification: Uncertain significance for Catecholaminergic polymorphic ventricular tachycardia 1. Last evaluated: 2022-07-10. Review status: criteria provided, single submitter. Criteria: Invitae Variant Classification Sherloc (09022015). Collection method: clinical testing. Allele origin: germline.
Comment: This sequence change replaces glutamine, which is neutral and polar, with arginine, which is basic and polar, at codon 727 of the TRDN protein (p.Gln727Arg). This variant is not present in population databases (gnomAD no frequency). This variant has not been reported in the literature in individuals affected with TRDN-related conditions. Algorithms developed to predict the effect of missense changes on protein structure and function output the following: SIFT: "Deleterious"; PolyPhen-2: "Benign"; Align-GVGD: "Class C0". The arginine amino acid residue is found in multiple mammalian species, which suggests that this missense change does not adversely affect protein function. In summary, the available evidence is currently insufficient to determine the role of this variant in disease. Therefore, it has been classified as a Variant of Uncertain Significance.

NM_006073.4(TRDN):c.2180A>G (p.Gln727Arg)

Gene: TRDN (triadin; minus strand). Cytogenetic location: 6q22.31.
Variant type: single nucleotide variant.
Coding change: c.2180A>G on transcript NM_006073.4 (MANE Select); coding-DNA position 2180, A replaced by G.
Protein change: p.Gln727Arg; replaces glutamine 727 with arginine.
Molecular consequence: missense variant.
Genome position (GRCh38, 1-based): chr6:123,218,611, T>C on the plus strand (A>G on the coding strand, the complement: TRDN is on the minus strand). VCF-style: chr6-123218611-T-C. GRCh37 (hg19) VCF-style: chr6-123539756-T-C.
Other names: c.2180A>G (NM_006073.2); short protein forms Q727R.
Identifiers: ClinVar variation 2166287 (VCV002166287.5), dbSNP rs1775026606, ClinGen allele CA365564303.
Genomic context (GRCh38, chr6:123,218,611, plus strand): 5'-CATCACATTTTTAAAATCTTAAAGCACTTGTAAGGGTCATACATGTGTGTTTACTGTCCT[T>C]GTTGCTTCTGTCCTGGAGAATTTGCTTGACCAGAGCTCTCTCCAGGGCGGTCTGCAGGAG-3'
Protein context (NP_006064.2, residues 717-729): GQANSPGQKQ[Gln727Arg]GQ